The following is an entry in ClinVar:

NM_019892.6(INPP5E):c.368C>T (p.Ala123Val)

Gene: INPP5E (inositol polyphosphate-5-phosphatase E; minus strand). Cytogenetic location: 9q34.3.
Variant type: single nucleotide variant.
Coding change: c.368C>T on transcript NM_019892.6 (MANE Select); coding-DNA position 368, C replaced by T.
Protein change: p.Ala123Val; replaces alanine 123 with valine.
Molecular consequence: missense variant.
Genome position (GRCh38, 1-based): chr9:136,439,052, G>A on the plus strand (C>T on the coding strand, the complement: INPP5E is on the minus strand). VCF-style: chr9-136439052-G-A. GRCh37 (hg19) VCF-style: chr9-139333504-G-A.
Other names: c.368C>T (NM_019892.4, NM_019892.5); c.368C>T, p.Ala123Val (NM_001318502.2); short protein forms A123V.
Identifiers: ClinVar variation 2152583 (VCV002152583.7), dbSNP rs769176351, ClinGen allele CA375569473.

ClinVar aggregate classification (germline): Uncertain significance. Review status: criteria provided, multiple submitters, no conflicts (2 of 4 stars). 4 submissions from 4 submitters: Uncertain significance (4). Last evaluated 2025-12-11.

Conditions:
INPP5E-related disorder. Also called: INPP5E-related condition.
Joubert syndrome. Also called: JOUBERT-BOLTSHAUSER SYNDROME; Familial aplasia of the vermis. Identifiers: Orphanet 475, MedGen C5979921, MONDO:0018772.
Inborn genetic diseases. Identifiers: MedGen C0950123, MeSH D030342.

gnomAD v4.1: 12 of 1,569,486 alleles (0.00076%); highest among the groups gnomAD compares: Admixed American, 0.0094%; no homozygotes.

Submissions (4):

PreventionGenetics, part of Exact Sciences
Classification: Uncertain significance for INPP5E-related condition. Last evaluated: 2025-12-11. Review status: criteria provided, single submitter. Criteria: ACMG Guidelines, 2015. Collection method: clinical testing. Allele origin: germline.
Comment: The INPP5E c.368C>T variant is predicted to result in the amino acid substitution p.Ala123Val. To our knowledge, this variant has not been reported in the literature. This variant is reported in 0.011% of alleles in individuals of Latino descent in gnomAD. At this time, the clinical significance of this variant is uncertain due to the absence of conclusive functional and genetic evidence.

Ambry Genetics
Classification: Uncertain significance for Inborn genetic diseases. Last evaluated: 2025-09-10. Review status: criteria provided, single submitter. Criteria: Ambry Variant Classification Scheme 2023. Collection method: clinical testing. Allele origin: germline.

Labcorp Genetics (formerly Invitae), Labcorp
Classification: Uncertain significance for Joubert syndrome. Last evaluated: 2022-08-19. Review status: criteria provided, single submitter. Criteria: Invitae Variant Classification Sherloc (09022015). Collection method: clinical testing. Allele origin: germline.
Comment: This sequence change replaces alanine, which is neutral and non-polar, with valine, which is neutral and non-polar, at codon 123 of the INPP5E protein (p.Ala123Val). The frequency data for this variant in the population databases is considered unreliable, as metrics indicate poor data quality at this position in the gnomAD database. This variant has not been reported in the literature in individuals affected with INPP5E-related conditions. Advanced modeling of protein sequence and biophysical properties (such as structural, functional, and spatial information, amino acid conservation, physicochemical variation, residue mobility, and thermodynamic stability) performed at Invitae indicates that this missense variant is not expected to disrupt INPP5E protein function. In summary, the available evidence is currently insufficient to determine the role of this variant in disease. Therefore, it has been classified as a Variant of Uncertain Significance.

Blueprint Genetics
Classification: Uncertain significance. Last evaluated: 2020-03-13. Review status: criteria provided, single submitter. Criteria: ACMG Guidelines, 2015. Collection method: clinical testing. Allele origin: germline.